The following is an entry in ClinVar:

NM_001130082.3(PLXNB1):c.5403C>T (p.Arg1801=)

Gene: PLXNB1 (plexin B1; minus strand). Cytogenetic location: 3p21.31.
Variant type: single nucleotide variant.
Coding change: c.5403C>T on transcript NM_001130082.3 (MANE Select); coding-DNA position 5403, C replaced by T.
Protein change: p.Arg1801=; no amino-acid change (arginine 1801 retained).
Molecular consequence: synonymous variant.
Genome position (GRCh38, 1-based): chr3:48,410,881, G>A on the plus strand (C>T on the coding strand, the complement: PLXNB1 is on the minus strand). VCF-style: chr3-48410881-G-A. GRCh37 (hg19) VCF-style: chr3-48452290-G-A.
Other names: c.5403C>T, p.Arg1801= (NM_002673.6).
Identifiers: ClinVar variation 767905 (VCV000767905.6), dbSNP rs34897778, ClinGen allele CA2373959.

ClinVar aggregate classification (germline): Benign. Review status: criteria provided, multiple submitters, no conflicts (2 of 4 stars). 3 submissions from 3 submitters: Benign (2). 1 of the submissions does not count toward it. Last evaluated 2018-05-21.

Conditions:
PLXNB1-related disorder. Also called: PLXNB1-related condition.

Allele frequency attached by ClinVar (database versions not stated): gnomAD exomes 0.00068 and 0.00124; ExAC 0.00159; 1000 Genomes Project 0.00240; 1000 Genomes Project 30x 0.00281; gnomAD 0.00311 and 0.00338; ESP Exome Variant Server 0.00331; TOPMed 0.00340.
gnomAD v4.1: 1,505 of 1,611,514 alleles (0.093%); highest among the groups gnomAD compares: African/African-American, 0.92%; 10 homozygotes.

Submissions (3):

Labcorp Genetics (formerly Invitae), Labcorp
Classification: Benign. Last evaluated: 2018-05-21. Review status: criteria provided, single submitter. Criteria: Invitae Variant Classification Sherloc (09022015). Collection method: clinical testing. Allele origin: germline.

Breakthrough Genomics
Classification: Benign. Review status: criteria provided, single submitter. Criteria: ACMG Guidelines, 2015. Collection method: not provided. Allele origin: germline. Inheritance: Unknown mechanism. Affected: yes.

PreventionGenetics, part of Exact Sciences
Classification: Likely benign for PLXNB1-related condition. Last evaluated: 2019-02-21. Review status: no assertion criteria provided. Collection method: clinical testing. Allele origin: germline. Not counted in ClinVar's aggregate classification.
Comment: This variant is classified as likely benign based on ACMG/AMP sequence variant interpretation guidelines (Richards et al. 2015 PMID: 25741868, with internal and published modifications).